The following is an entry in ClinVar:

ClinVar aggregate classification (germline): Uncertain significance. Review status: criteria provided, multiple submitters, no conflicts (2 of 4 stars). 3 submissions from 3 submitters: Uncertain significance (2). 1 of the submissions does not count toward it. Last evaluated 2025-08-12.

Conditions:
Fanconi anemia (FA). Also called: Fanconi's anemia. Identifiers: Orphanet 84, MedGen C0015625, MeSH D005199, MONDO:0019391.

Allele frequency attached by ClinVar (database versions not stated): TOPMed 0.00001; gnomAD 0.00003; gnomAD exomes 0.00004; ExAC 0.00007.
gnomAD v4.1: 41 of 1,613,968 alleles (0.0025%); highest among the groups gnomAD compares: East Asian, 0.013%; no homozygotes.

Submissions (3):

Quest Diagnostics Nichols Institute San Juan Capistrano
Classification: Uncertain significance. Last evaluated: 2025-08-12. Review status: criteria provided, single submitter. Criteria: Quest Diagnostics criteria. Collection method: clinical testing. Allele origin: unknown.
Comment: The FANCA c.2447C>T (p.Ala816Val) variant has not been reported in individuals with FANCA-related conditions in the published literature. The frequency of this variant in the general population (Genome Aggregation Database) is uninformative in the assessment of its pathogenicity. Analysis of this variant using bioinformatics tools for the prediction of the effect of amino acid changes on protein structure and function yielded predictions that this variant is benign. Based on the available information, we are unable to determine the clinical significance of this variant.

Labcorp Genetics (formerly Invitae), Labcorp
Classification: Uncertain significance for Fanconi anemia. Last evaluated: 2022-07-11. Review status: criteria provided, single submitter. Criteria: Invitae Variant Classification Sherloc (09022015). Collection method: clinical testing. Allele origin: germline.
Comment: This sequence change replaces alanine, which is neutral and non-polar, with valine, which is neutral and non-polar, at codon 816 of the FANCA protein (p.Ala816Val). This variant is present in population databases (rs756082739, gnomAD 0.009%). This variant has not been reported in the literature in individuals affected with FANCA-related conditions. ClinVar contains an entry for this variant (Variation ID: 1041210). Advanced modeling of protein sequence and biophysical properties (such as structural, functional, and spatial information, amino acid conservation, physicochemical variation, residue mobility, and thermodynamic stability) performed at Invitae indicates that this missense variant is not expected to disrupt FANCA protein function. In summary, the available evidence is currently insufficient to determine the role of this variant in disease. Therefore, it has been classified as a Variant of Uncertain Significance.

Natera, Inc.
Classification: Uncertain significance for Fanconi anemia. Last evaluated: 2020-12-04. Review status: no assertion criteria provided. Collection method: clinical testing. Allele origin: germline. Not counted in ClinVar's aggregate classification.

NM_000135.4(FANCA):c.2447C>T (p.Ala816Val)

Gene: FANCA (FA complementation group A; minus strand). Cytogenetic location: 16q24.3.
Variant type: single nucleotide variant.
Coding change: c.2447C>T on transcript NM_000135.4 (MANE Select); coding-DNA position 2447, C replaced by T.
Protein change: p.Ala816Val; replaces alanine 816 with valine.
Molecular consequence: missense variant.
Genome position (GRCh38, 1-based): chr16:89,769,894, G>A on the plus strand (C>T on the coding strand, the complement: FANCA is on the minus strand). VCF-style: chr16-89769894-G-A. GRCh37 (hg19) VCF-style: chr16-89836302-G-A.
Other names: c.2447C>T, p.Ala816Val (NM_001286167.3); c.2447C>T (NM_000135.3); short protein forms A816V.
Identifiers: ClinVar variation 1041210 (VCV001041210.8), dbSNP rs756082739, ClinGen allele CA8251725.